The following is an entry in ClinVar:

ClinVar aggregate classification (germline): Uncertain significance (1 of 4 stars; one submission).

Conditions:
Hereditary cancer-predisposing syndrome. Also called: Tumor predisposition; Hereditary neoplastic syndrome; Hereditary Cancer Syndrome; Neoplastic Syndromes, Hereditary. Identifiers: Orphanet 140162, MedGen C0027672, MeSH D009386, MONDO:0015356.

Submission:

Ambry Genetics
Classification: Uncertain significance for Hereditary cancer-predisposing syndrome. Last evaluated: 2023-12-23. Review status: criteria provided, single submitter. Criteria: Ambry Variant Classification Scheme 2023. Collection method: clinical testing. Allele origin: germline.
Comment: The p.D191H variant (also known as c.571G>C), located in coding exon 3 of the PHOX2B gene, results from a G to C substitution at nucleotide position 571. The aspartic acid at codon 191 is replaced by histidine, an amino acid with similar properties. This amino acid position is conserved. In addition, this alteration is predicted to be tolerated by in silico analysis. Since supporting evidence is limited at this time, the clinical significance of this alteration remains unclear.

NM_003924.4(PHOX2B):c.571G>C (p.Asp191His)

Gene: PHOX2B (paired like homeobox 2B; minus strand). Cytogenetic location: 4p13.
Variant type: single nucleotide variant.
Coding change: c.571G>C on transcript NM_003924.4 (MANE Select); coding-DNA position 571, G replaced by C.
Protein change: p.Asp191His; replaces aspartic acid 191 with histidine.
Molecular consequence: missense variant.
Genome position (GRCh38, 1-based): chr4:41,746,181, C>G on the plus strand (G>C on the coding strand, the complement: PHOX2B is on the minus strand). VCF-style: chr4-41746181-C-G. GRCh37 (hg19) VCF-style: chr4-41748198-C-G.
Other names: short protein forms D191H.
Identifiers: ClinVar variation 3223588 (VCV003223588.1), dbSNP rs2552096879, ClinGen allele CA356737958.
Genomic context (GRCh38, chr4:41,746,181, plus strand): 5'-TCGCCCCGCAGCTGGGGGTGGGGTTGGGATTGGGACCTGGGCCCCCAGTGCTGTCCGGGT[C>G]AGTGCTCTTGGCCTCTTTGCTCTCGTCGTCCCTGGAAGAGTCAGACTTTTTGCCCGAGGA-3'
Protein context (NP_003915.2, residues 181-201): DDESKEAKST[Asp191His]PDSTGGPGPN